The following is an entry in ClinVar:

NM_001184.4(ATR):c.7639C>T (p.Arg2547Ter)

Gene: ATR (ATR checkpoint kinase; minus strand). Cytogenetic location: 3q23.
Variant type: single nucleotide variant.
Coding change: c.7639C>T on transcript NM_001184.4 (MANE Select); coding-DNA position 7639, C replaced by T.
Protein change: p.Arg2547Ter; replaces arginine 2547 with a stop codon.
Molecular consequence: nonsense.
Genome position (GRCh38, 1-based): chr3:142,457,620, G>A on the plus strand (C>T on the coding strand, the complement: ATR is on the minus strand). VCF-style: chr3-142457620-G-A. GRCh37 (hg19) VCF-style: chr3-142176462-G-A.
Other names: c.7447C>T, p.Arg2483Ter (NM_001354579.2); short protein forms R2483*, R2547*.
Identifiers: ClinVar variation 4759335 (VCV004759335.1).

ClinVar aggregate classification (germline): Likely pathogenic (1 of 4 stars; one submission).

Conditions:
Familial cutaneous telangiectasia and oropharyngeal predisposition cancer syndrome. Identifiers: Orphanet 313846, MedGen C3281203, MONDO:0013806, OMIM 614564.

gnomAD v4.1: 10 of 1,613,920 alleles (0.00062%); highest among the groups gnomAD compares: Non-Finnish European, 0.00085%; no homozygotes.

Submission:

Institute for Genomic Medicine (IGM) Clinical Laboratory, Nationwide Children's Hospital
Classification: Likely pathogenic for Familial cutaneous telangiectasia and oropharyngeal predisposition cancer syndrome. Last evaluated: 2023-08-13. Review status: criteria provided, single submitter. Criteria: ACMG Guidelines, 2015. Collection method: clinical testing. Allele origin: germline.
Comment: This variant is predicted to result in loss of function through nonsense-mediated decay of the encoded transcript or premature truncation of the encoded protein in a gene in which loss of function is a known mechanism of disease (ACMG/AMP: PVS1; PMIDs:22341969, 23144622). This variant is absent from or present at an exceedingly low frequency in gnomAD, a large-scale control population database (ACMG/AMP: PM2).

Literature cited by the submitters: PubMed 22341969; PubMed 23144622.